The following is an entry in ClinVar:

NM_001018111.3(PODXL):c.1280G>A (p.Arg427Gln)

Gene: PODXL (podocalyxin like; minus strand). Cytogenetic location: 7q32.3.
Variant type: single nucleotide variant.
Coding change: c.1280G>A on transcript NM_001018111.3 (MANE Select); coding-DNA position 1280, G replaced by A.
Protein change: p.Arg427Gln; replaces arginine 427 with glutamine.
Molecular consequence: missense variant.
Genome position (GRCh38, 1-based): chr7:131,506,291, C>T on the plus strand (G>A on the coding strand, the complement: PODXL is on the minus strand). VCF-style: chr7-131506291-C-T. GRCh37 (hg19) VCF-style: chr7-131191050-C-T.
Other names: p.Arg427Gln; c.1184G>A, p.Arg395Gln (NM_005397.4); c.1280G>A (NM_001018111.2); short protein forms R395Q, R427Q.
Identifiers: ClinVar variation 1587275 (VCV001587275.10), dbSNP rs199529657, ClinGen allele CA4488417.

ClinVar aggregate classification (germline): Conflicting classifications of pathogenicity. Review status: criteria provided, conflicting classifications (1 of 4 stars). 3 submissions from 3 submitters: Uncertain significance (2); Likely benign (1). Last evaluated 2026-01-11.

Conditions:
Inborn genetic diseases. Identifiers: MedGen C0950123, MeSH D030342.

Allele frequency attached by ClinVar (database versions not stated): ExAC 0.00021; ESP Exome Variant Server 0.00023; gnomAD exomes 0.00023; 1000 Genomes Project 0.00040; gnomAD 0.00040 and 0.00042; 1000 Genomes Project 30x 0.00047; TOPMed 0.00062.
gnomAD v4.1: 453 of 1,614,202 alleles (0.028%); highest among the groups gnomAD compares: Admixed American, 0.12%; no homozygotes.

Submissions (3):

Labcorp Genetics (formerly Invitae), Labcorp
Classification: Likely benign. Last evaluated: 2026-01-11. Review status: criteria provided, single submitter. Criteria: Invitae Variant Classification Sherloc (09022015). Collection method: clinical testing. Allele origin: germline.

Mayo Clinic Laboratories, Mayo Clinic
Classification: Uncertain significance. Last evaluated: 2025-11-18. Review status: criteria provided, single submitter. Criteria: ACMG Guidelines, 2015. Collection method: clinical testing. Allele origin: germline. Observed: 1 variant allele.
Comment: BP4_moderate

Ambry Genetics
Classification: Uncertain significance for Inborn genetic diseases. Last evaluated: 2021-09-17. Review status: criteria provided, single submitter. Criteria: Ambry Variant Classification Scheme 2023. Collection method: clinical testing. Allele origin: germline.